The following is an entry in ClinVar:

ClinVar aggregate classification (germline): Uncertain significance. Review status: criteria provided, multiple submitters, no conflicts (2 of 4 stars). 2 submissions from 2 submitters: Uncertain significance (2). Last evaluated 2025-08-18.

Conditions:
Multiple endocrine neoplasia, type 2 (MEN2). Identifiers: Orphanet 653, MedGen C4048306, MONDO:0019003. Disease mechanism: gain of function.

Allele frequency attached by ClinVar (database versions not stated): gnomAD 0.00001.
gnomAD v4.1: 3 of 1,614,008 alleles (0.00019%); highest among the groups gnomAD compares: Non-Finnish European, 0.00017%; no homozygotes.

Submissions (2):

Labcorp Genetics (formerly Invitae), Labcorp
Classification: Uncertain significance for Multiple endocrine neoplasia, type 2. Last evaluated: 2025-08-18. Review status: criteria provided, single submitter. Criteria: Invitae Variant Classification Sherloc (09022015). Collection method: clinical testing. Allele origin: germline.
Comment: This sequence change replaces serine, which is neutral and polar, with arginine, which is basic and polar, at codon 561 of the RET protein (p.Ser561Arg). This variant is not present in population databases (gnomAD no frequency). This variant has not been reported in the literature in individuals affected with RET-related conditions. ClinVar contains an entry for this variant (Variation ID: 1004827). An algorithm developed to predict the effect of missense changes on protein structure and function (PolyPhen-2) suggests that this variant is likely to be tolerated. In summary, the available evidence is currently insufficient to determine the role of this variant in disease. Therefore, it has been classified as a Variant of Uncertain Significance.

All of Us Research Program, National Institutes of Health
Classification: Uncertain significance for Multiple endocrine neoplasia, type 2. Last evaluated: 2024-05-09. Review status: criteria provided, single submitter. Criteria: ACMG Guidelines, 2015. Collection method: clinical testing. Allele origin: germline. Inheritance: Autosomal dominant inheritance. Observed: 2 variant alleles, 2 heterozygotes.
Comment: This missense variant replaces serine with arginine at codon 561 of the RET protein. Computational prediction suggests that this variant may not impact protein structure and function (internally defined REVEL score threshold <= 0.5, PMID: 27666373). To our knowledge, functional studies have not been reported for this variant. This variant has not been reported in individuals affected with RET-related disorders in the literature. This variant has not been identified in the general population by the Genome Aggregation Database (gnomAD). The available evidence is insufficient to determine the role of this variant in disease conclusively. Therefore, this variant is classified as a Variant of Uncertain Significance.

This study involves interpretation of variants in research participants for the purpose of population health screening. Participant phenotype was not available at the time of variant classification. Additional details can be found in publication PMID: 35346344, PMCID: PMC8962531

NM_020975.6(RET):c.1683C>A (p.Ser561Arg)

Gene: RET (ret proto-oncogene; plus strand). Cytogenetic location: 10q11.21.
Variant type: single nucleotide variant.
Coding change: c.1683C>A on transcript NM_020975.6 (MANE Select); coding-DNA position 1683, C replaced by A.
Protein change: p.Ser561Arg; replaces serine 561 with arginine.
Molecular consequence: missense variant.
Genome position (GRCh38, 1-based): chr10:43,112,887, C>A. VCF-style: chr10-43112887-C-A. GRCh37 (hg19) VCF-style: chr10-43608335-C-A.
Other names: c.1683C>A, p.Ser561Arg (NM_000323.2, NM_001406743.1, NM_001406744.1 and 6 more transcripts); c.921C>A, p.Ser307Arg (NM_001355216.2); c.1554C>A, p.Ser518Arg (NM_001406761.1, NM_001406762.1, NM_001406764.1 and 1 more transcripts); c.1395C>A, p.Ser465Arg (NM_001406766.1, NM_001406767.1, NM_001406770.1); c.1287C>A, p.Ser429Arg (NM_001406769.1, NM_001406772.1); c.1245C>A, p.Ser415Arg (NM_001406771.1, NM_001406773.1); c.1158C>A, p.Ser386Arg (NM_001406774.1); c.957C>A, p.Ser319Arg (NM_001406775.1, NM_001406776.1, NM_001406777.1 and 1 more transcripts); and 5 more; short protein forms S307R, S561R, S262R, S319R, S429R, S415R, S78R, S166R.
Identifiers: ClinVar variation 1004827 (VCV001004827.10), dbSNP rs1837973045, ClinGen allele CA376551861.